The following is an entry in ClinVar:

NM_001457.4(FLNB):c.3301C>T (p.Pro1101Ser)

Gene: FLNB (filamin B; plus strand). Cytogenetic location: 3p14.3.
Variant type: single nucleotide variant.
Coding change: c.3301C>T on transcript NM_001457.4 (MANE Select); coding-DNA position 3301, C replaced by T.
Protein change: p.Pro1101Ser; replaces proline 1101 with serine.
Molecular consequence: missense variant.
Genome position (GRCh38, 1-based): chr3:58,123,267, C>T. VCF-style: chr3-58123267-C-T. GRCh37 (hg19) VCF-style: chr3-58108994-C-T.
Other names: c.3301C>T, p.Pro1101Ser (NM_001164317.2, NM_001164318.2, NM_001164319.2); short protein forms P1101S.
Identifiers: ClinVar variation 5006679 (VCV005006679.2).

ClinVar aggregate classification (germline): Uncertain significance (1 of 4 stars; one submission).

Conditions:
Spondylocarpotarsal synostosis syndrome (SCT). Also called: SPONDYLOCARPOTARSAL SYNDROME; VERTEBRAL FUSION WITH CARPAL COALITION; Spondylocarpotarsal Synostosis Syndrome (FLNB-SCT); Synspondylism congenital; Scoliosis, congenital with unilateral unsegmented bar. Identifiers: Orphanet 3275, MedGen C1848934, MONDO:0010094, OMIM 272460.
Boomerang dysplasia. Identifiers: Orphanet 1263, MedGen C0432201, MONDO:0007208, OMIM 112310.
Atelosteogenesis type I. Also called: SPONDYLOHUMEROFEMORAL HYPOPLASIA; GIANT CELL CHONDRODYSPLASIA; Atelosteogenesis Type 1 (FLNB-AO1). Identifiers: Orphanet 1190, MedGen C0265283, MONDO:0007167, OMIM 108720.
Atelosteogenesis type III. Also called: Atelosteogenesis Type 3 (FLNB-AO3). Identifiers: Orphanet 56305, MedGen C3668942, MONDO:0007168, OMIM 108721.
Larsen syndrome (LRS). Also called: Larsen syndrome (FLNB-LS); Bilateral dislocation of the knees, pes cavus, cylindrically shaped fingers and characteristic facies. Identifiers: Orphanet 503, MedGen C0175778, MONDO:0007875, OMIM 150250. Disease mechanism: loss of function.

Submission:

Juno Genomics, Hangzhou Juno Genomics, Inc
Classification: Uncertain significance for Atelosteogenesis type I; Atelosteogenesis type III; Boomerang dysplasia; Larsen syndrome; Spondylocarpotarsal synostosis syndrome. Review status: criteria provided, single submitter. Criteria: ACMG Guidelines, 2015. Collection method: clinical testing. Allele origin: germline.
Comment: Absent from controls (or at extremely low frequency if recessive) in Genome Aggregation Database.;Missense variant in a gene that has a low rate of benign missense variation.;Multiple lines of computational evidence support a deleterious effect on the gene or gene product.